The following is an entry in ClinVar:

ClinVar aggregate classification (germline): Uncertain significance (1 of 4 stars; one submission).

Submission:

Labcorp Genetics (formerly Invitae), Labcorp
Classification: Uncertain significance. Last evaluated: 2021-09-09. Review status: criteria provided, single submitter. Criteria: Invitae Variant Classification Sherloc (09022015). Collection method: clinical testing. Allele origin: germline.
Comment: This sequence change replaces lysine with alanine at codon 57 of the CTNNA1 protein (p.Lys57Ala). The lysine residue is highly conserved and there is a moderate physicochemical difference between lysine and alanine. In summary, the available evidence is currently insufficient to determine the role of this variant in disease. Therefore, it has been classified as a Variant of Uncertain Significance. Algorithms developed to predict the effect of missense changes on protein structure and function are either unavailable or do not agree on the potential impact of this missense change (SIFT: "Not Available"; PolyPhen-2: "Benign"; Align-GVGD: "Not Available"). This variant has not been reported in the literature in individuals affected with CTNNA1-related conditions. The frequency data for this variant in the population databases is not available, as this variant may be reported as separate entries in the ExAC database.

NM_001903.5(CTNNA1):c.169_170delinsGC (p.Lys57Ala)

Gene: CTNNA1 (catenin alpha 1; plus strand). Cytogenetic location: 5q31.2.
Variant type: Indel.
Coding change: c.169_170delinsGC on transcript NM_001903.5 (MANE Select); coding-DNA positions 169 to 170, AA replaced by GC.
Protein change: p.Lys57Ala; replaces lysine 57 with alanine.
Molecular consequence: missense variant. On other transcripts: intron variant (1), 5 prime UTR variant (1).
Genome position (GRCh38, 1-based): chr5:138,783,240-138,783,241, AA replaced by GC. VCF-style: chr5-138783240-AA-GC. GRCh37 (hg19) VCF-style: chr5-138118929-AA-GC.
Other names: c.169_170delinsGC, p.Lys57Ala (NM_001323985.2, NM_001323986.2, NM_001290307.3 and 3 more transcripts); c.-9+1211_-9+1212delinsGC (NM_001290309.3); c.-38_-37delinsGC (NM_001290310.3); short protein forms K57A.
Identifiers: ClinVar variation 1462364 (VCV001462364.6), dbSNP rs2149656342, ClinGen allele CA2573139211.